The following is an entry in ClinVar:

ClinVar aggregate classification (germline): Uncertain significance. Review status: criteria provided, single submitter (1 of 4 stars). 2 submissions from 2 submitters: Uncertain significance (1). 1 of the submissions does not count toward it. Last evaluated 2026-01-02.

Conditions:
TUBB1-related disorder. Also called: TUBB1-related condition.

Allele frequency attached by ClinVar (database versions not stated): ExAC 0.00002; ESP Exome Variant Server 0.00008; gnomAD 0.00009; TOPMed 0.00009; gnomAD exomes 0.00015.
gnomAD v4.1: 228 of 1,613,818 alleles (0.014%); highest among the groups gnomAD compares: Non-Finnish European, 0.019%; no homozygotes.

Submissions (2):

Labcorp Genetics (formerly Invitae), Labcorp
Classification: Uncertain significance. Last evaluated: 2026-01-02. Review status: criteria provided, single submitter. Criteria: Invitae Variant Classification Sherloc (09022015). Collection method: clinical testing. Allele origin: germline.
Comment: This sequence change replaces valine, which is neutral and non-polar, with methionine, which is neutral and non-polar, at codon 286 of the TUBB1 protein (p.Val286Met). This variant is present in population databases (rs370149968, gnomAD 0.01%). This variant has not been reported in the literature in individuals affected with TUBB1-related conditions. ClinVar contains an entry for this variant (Variation ID: 2716637). Invitae Evidence Modeling of protein sequence and biophysical properties (such as structural, functional, and spatial information, amino acid conservation, physicochemical variation, residue mobility, and thermodynamic stability) indicates that this missense variant is expected to disrupt TUBB1 protein function with a positive predictive value of 80%. In summary, the available evidence is currently insufficient to determine the role of this variant in disease. Therefore, it has been classified as a Variant of Uncertain Significance.

PreventionGenetics, part of Exact Sciences
Classification: Uncertain significance for TUBB1-related condition. Last evaluated: 2024-08-08. Review status: no assertion criteria provided. Collection method: clinical testing. Allele origin: germline. Not counted in ClinVar's aggregate classification.
Comment: The TUBB1 c.856G>A variant is predicted to result in the amino acid substitution p.Val286Met. To our knowledge, this variant has not been reported in the literature. This variant is reported in 0.015% of alleles in individuals of European (Non-Finnish) descent in gnomAD. Although we suspect that this variant may be benign, at this time, the clinical significance of this variant is uncertain due to the absence of conclusive functional and genetic evidence.

NM_030773.4(TUBB1):c.856G>A (p.Val286Met)

Gene: TUBB1 (tubulin beta 1 class VI; plus strand). Cytogenetic location: 20q13.32.
Variant type: single nucleotide variant.
Coding change: c.856G>A on transcript NM_030773.4 (MANE Select); coding-DNA position 856, G replaced by A.
Protein change: p.Val286Met; replaces valine 286 with methionine.
Molecular consequence: missense variant.
Genome position (GRCh38, 1-based): chr20:59,024,283, G>A. VCF-style: chr20-59024283-G-A. GRCh37 (hg19) VCF-style: chr20-57599338-G-A.
Other names: short protein forms V286M.
Identifiers: ClinVar variation 2716637 (VCV002716637.4), dbSNP rs370149968, ClinGen allele CA9928600.